The following is an entry in ClinVar:

NM_000553.6(WRN):c.3573A>G (p.Arg1191=)

Gene: WRN (WRN RecQ like helicase; plus strand). Cytogenetic location: 8p12.
Variant type: single nucleotide variant.
Coding change: c.3573A>G on transcript NM_000553.6 (MANE Select); coding-DNA position 3573, A replaced by G.
Protein change: p.Arg1191=; no amino-acid change (arginine 1191 retained).
Molecular consequence: synonymous variant.
Genome position (GRCh38, 1-based): chr8:31,150,341, A>G. VCF-style: chr8-31150341-A-G. GRCh37 (hg19) VCF-style: chr8-31007857-A-G.
Identifiers: ClinVar variation 2004545 (VCV002004545.4), dbSNP rs200018117, ClinGen allele CA174907873.

ClinVar aggregate classification (germline): Uncertain significance (1 of 4 stars; one submission).

Conditions:
Werner syndrome (WRN). Identifiers: Orphanet 902, MedGen C0043119, MONDO:0010196, OMIM 277700.

Submission:

Labcorp Genetics (formerly Invitae), Labcorp
Classification: Uncertain significance for Werner syndrome. Last evaluated: 2022-06-10. Review status: criteria provided, single submitter. Criteria: Invitae Variant Classification Sherloc (09022015). Collection method: clinical testing. Allele origin: germline.
Comment: In summary, the available evidence is currently insufficient to determine the role of this variant in disease. Therefore, it has been classified as a Variant of Uncertain Significance. Algorithms developed to predict the effect of sequence changes on RNA splicing suggest that this variant is not likely to affect RNA splicing. This variant has not been reported in the literature in individuals affected with WRN-related conditions. This variant is not present in population databases (gnomAD no frequency). This sequence change affects codon 1191 of the WRN mRNA. It is a 'silent' change, meaning that it does not change the encoded amino acid sequence of the WRN protein. It affects a nucleotide within the consensus splice site.